The following is an entry in ClinVar:

NM_173354.5(SIK1):c.875T>A (p.Phe292Tyr)

Gene: SIK1 (salt inducible kinase 1; minus strand). Cytogenetic location: 21q22.3.
Variant type: single nucleotide variant.
Coding change: c.875T>A on transcript NM_173354.5 (MANE Select); coding-DNA position 875, T replaced by A.
Protein change: p.Phe292Tyr; replaces phenylalanine 292 with tyrosine.
Molecular consequence: missense variant.
Genome position (GRCh38, 1-based): chr21:43,420,331, A>T on the plus strand (T>A on the coding strand, the complement: SIK1 is on the minus strand). VCF-style: chr21-43420331-A-T. GRCh37 (hg19) VCF-style: chr21-44840211-A-T.
Other names: short protein forms F292Y.
Identifiers: ClinVar variation 588257 (VCV000588257.38), dbSNP rs150241738, ClinGen allele CA321326787.

ClinVar aggregate classification (germline): Benign/Likely benign. Review status: criteria provided, multiple submitters, no conflicts (2 of 4 stars). 3 submissions from 3 submitters: Benign (1); Likely benign (2). Last evaluated 2026-01-19.

Conditions:
Developmental and epileptic encephalopathy, 30 (DEE30). Also called: Epileptic encephalopathy, early infantile, 30. Identifiers: MedGen C4225360, MONDO:0014595, OMIM 616341.
Inborn genetic diseases. Identifiers: MedGen C0950123, MeSH D030342.

Allele frequency attached by ClinVar (database versions not stated): ExAC 0.00011; gnomAD exomes 0.00011; gnomAD 0.00026; ESP Exome Variant Server 0.00038.

Submissions (3):

Labcorp Genetics (formerly Invitae), Labcorp
Classification: Likely benign for Developmental and epileptic encephalopathy, 30. Last evaluated: 2026-01-19. Review status: criteria provided, single submitter. Criteria: Invitae Variant Classification Sherloc (09022015). Collection method: clinical testing. Allele origin: germline.

Ambry Genetics
Classification: Likely benign for Inborn genetic diseases. Last evaluated: 2024-06-10. Review status: criteria provided, single submitter. Criteria: Ambry Variant Classification Scheme 2023. Collection method: clinical testing. Allele origin: germline.

CeGaT Center for Human Genetics Tuebingen
Classification: Benign. Last evaluated: 2022-04-01. Review status: criteria provided, single submitter. Criteria: CeGaT Center For Human Genetics Tuebingen Variant Classification Criteria Version 2. Collection method: clinical testing. Allele origin: germline. Affected: yes. Observed: 1 variant allele.
Comment: SIK1: BS1, BS2